The following is an entry in ClinVar:

NM_022124.6(CDH23):c.9176C>T (p.Pro3059Leu)

Gene: CDH23 (cadherin related 23; plus strand). Cytogenetic location: 10q22.1.
Variant type: single nucleotide variant.
Coding change: c.9176C>T on transcript NM_022124.6 (MANE Select); coding-DNA position 9176, C replaced by T.
Protein change: p.Pro3059Leu; replaces proline 3059 with leucine.
Molecular consequence: missense variant.
Genome position (GRCh38, 1-based): chr10:71,811,413, C>T. VCF-style: chr10-71811413-C-T. GRCh37 (hg19) VCF-style: chr10-73571170-C-T.
Other names: c.9176C>T (NM_022124.5); c.2456C>T, p.Pro819Leu (NM_001171933.1, NM_001171934.1); short protein forms P3059L, P819L.
Identifiers: ClinVar variation 2168224 (VCV002168224.4), dbSNP rs747699245, ClinGen allele CA5546903.

ClinVar aggregate classification (germline): Uncertain significance. Review status: criteria provided, multiple submitters, no conflicts (2 of 4 stars). 3 submissions from 3 submitters: Uncertain significance (3). Last evaluated 2025-04-24.

Conditions:
Inborn genetic diseases. Identifiers: MedGen C0950123, MeSH D030342.

Allele frequency attached by ClinVar (database versions not stated): ExAC 0.00001; gnomAD exomes 0.00001; TOPMed 0.00001.
gnomAD v4.1: 8 of 1,613,976 alleles (0.0005%); highest among the groups gnomAD compares: East Asian, 0.0045%; no homozygotes.

Submissions (3):

Ambry Genetics
Classification: Uncertain significance for Inborn genetic diseases. Last evaluated: 2025-04-24. Review status: criteria provided, single submitter. Criteria: Ambry Variant Classification Scheme 2023. Collection method: clinical testing. Allele origin: germline.

GeneDx
Classification: Uncertain significance. Last evaluated: 2025-04-21. Review status: criteria provided, single submitter. Criteria: GeneDx Variant Classification Process June 2021. Collection method: clinical testing. Allele origin: germline. Affected: yes.
Comment: In silico analysis supports that this missense variant has a deleterious effect on protein structure/function; Has not been previously published as pathogenic or benign to our knowledge

Labcorp Genetics (formerly Invitae), Labcorp
Classification: Uncertain significance. Last evaluated: 2025-04-17. Review status: criteria provided, single submitter. Criteria: Invitae Variant Classification Sherloc (09022015). Collection method: clinical testing. Allele origin: germline.
Comment: This sequence change replaces proline, which is neutral and non-polar, with leucine, which is neutral and non-polar, at codon 3059 of the CDH23 protein (p.Pro3059Leu). This variant is present in population databases (rs747699245, gnomAD 0.01%). This variant has not been reported in the literature in individuals affected with CDH23-related conditions. ClinVar contains an entry for this variant (Variation ID: 2168224). Invitae Evidence Modeling of protein sequence and biophysical properties (such as structural, functional, and spatial information, amino acid conservation, physicochemical variation, residue mobility, and thermodynamic stability) has been performed for this missense variant. However, the output from this modeling did not meet the statistical confidence thresholds required to predict the impact of this variant on CDH23 protein function. In summary, the available evidence is currently insufficient to determine the role of this variant in disease. Therefore, it has been classified as a Variant of Uncertain Significance.